The following is an entry in ClinVar:

ClinVar aggregate classification (germline): Conflicting classifications of pathogenicity. Review status: criteria provided, conflicting classifications (1 of 4 stars). 2 submissions from 2 submitters: Uncertain significance (1); Likely benign (1). Last evaluated 2026-01-29.

Conditions:
Trichohepatoenteric syndrome 2 (THES2). Identifiers: Orphanet 84064, MedGen C3281289, MONDO:0013818, OMIM 614602.

Allele frequency attached by ClinVar (database versions not stated): gnomAD exomes 0.00017 and 0.00023; ExAC 0.00031; gnomAD 0.00049 and 0.00050; TOPMed 0.00055; ESP Exome Variant Server 0.00107; 1000 Genomes Project 0.00120; 1000 Genomes Project 30x 0.00125.
gnomAD v4.1: 338 of 1,612,574 alleles (0.021%); highest among the groups gnomAD compares: African/African-American, 0.15%; no homozygotes.

Submissions (2):

Labcorp Genetics (formerly Invitae), Labcorp
Classification: Uncertain significance. Last evaluated: 2026-01-29. Review status: criteria provided, single submitter. Criteria: Invitae Variant Classification Sherloc (09022015). Collection method: clinical testing. Allele origin: germline.
Comment: This sequence change replaces arginine, which is basic and polar, with cysteine, which is neutral and slightly polar, at codon 606 of the SKIV2L protein (p.Arg606Cys). This variant is present in population databases (rs78026291, gnomAD 0.1%). This variant has not been reported in the literature in individuals affected with SKIV2L-related conditions. ClinVar contains an entry for this variant (Variation ID: 1064068). An algorithm developed to predict the effect of missense changes on protein structure and function (PolyPhen-2) suggests that this variant is likely to be disruptive. In summary, the available evidence is currently insufficient to determine the role of this variant in disease. Therefore, it has been classified as a Variant of Uncertain Significance.

3billion
Classification: Likely benign for Trichohepatoenteric syndrome 2. Last evaluated: 2024-09-20. Review status: criteria provided, single submitter. Criteria: ACMG Guidelines, 2015. Collection method: clinical testing. Allele origin: germline. Affected: no.
Comment: The homozygous variant was found in patients diagnosed with another variant in a different gene, with no symptoms related to the gene containing the homozygous variant.

NM_006929.5(SKIC2):c.1816C>T (p.Arg606Cys)

Gene: SKIC2 (SKI2 subunit of superkiller complex; plus strand). Cytogenetic location: 6p21.33.
Variant type: single nucleotide variant.
Coding change: c.1816C>T on transcript NM_006929.5 (MANE Select); coding-DNA position 1816, C replaced by T.
Protein change: p.Arg606Cys; replaces arginine 606 with cysteine.
Molecular consequence: missense variant.
Genome position (GRCh38, 1-based): chr6:31,964,081, C>T. VCF-style: chr6-31964081-C-T. GRCh37 (hg19) VCF-style: chr6-31931858-C-T.
Other names: short protein forms R606C.
Identifiers: ClinVar variation 1064068 (VCV001064068.6), dbSNP rs78026291, ClinGen allele CA3729581.
Genomic context (GRCh38, chr6:31,964,081, plus strand): 5'-CTCACCTCCCTTGACCTCACCACCAGTTCGGAGAAGAGCGAGATCCACCTCTTCCTGCAG[C>T]GCTGCCTTGCTCGCCTCCGTGGCTCTGACCGCCAGCTGCCCCAGGTGCGTCTGTGTGCGT-3'
Protein context (NP_008860.4, residues 596-616): EKSEIHLFLQ[Arg606Cys]CLARLRGSDR